The following is an entry in ClinVar:

ClinVar aggregate classification (germline): Uncertain significance (1 of 4 stars; one submission).

Submission:

GeneDx
Classification: Uncertain significance. Last evaluated: 2023-12-13. Review status: criteria provided, single submitter. Criteria: GeneDx Variant Classification Process June 2021. Collection method: clinical testing. Allele origin: germline. Affected: yes.
Comment: Not observed at significant frequency in large population cohorts (gnomAD); In silico analysis supports that this missense variant has a deleterious effect on protein structure/function; Has not been previously published as pathogenic or benign to our knowledge; This variant is associated with the following publications: (PMID: 25512093, 25609763, 26100331)

NM_001376.5(DYNC1H1):c.209C>G (p.Ser70Trp)

Gene: DYNC1H1 (dynein cytoplasmic 1 heavy chain 1; plus strand). Cytogenetic location: 14q32.31.
Variant type: single nucleotide variant.
Coding change: c.209C>G on transcript NM_001376.5 (MANE Select); coding-DNA position 209, C replaced by G.
Protein change: p.Ser70Trp; replaces serine 70 with tryptophan.
Molecular consequence: missense variant.
Genome position (GRCh38, 1-based): chr14:101,964,900, C>G. VCF-style: chr14-101964900-C-G. GRCh37 (hg19) VCF-style: chr14-102431237-C-G.
Other names: short protein forms S70W.
Identifiers: ClinVar variation 3365452 (VCV003365452.1).